The following is an entry in ClinVar:

ClinVar aggregate classification (germline): Uncertain significance (1 of 4 stars; one submission).

Conditions:
Autosomal recessive ataxia, Beauce type. Also called: SYNE1-Related Autosomal Recessive Cerebellar Ataxia; Spinocerebellar ataxia, autosomal recessive 8; ATAXIA, RECESSIVE, OF BEAUCE; SYNE1 Deficiency. Identifiers: Orphanet 88644, MedGen C1853116, MONDO:0012549, OMIM 610743.
Emery-Dreifuss muscular dystrophy 4, autosomal dominant (EDMD4). Also called: EMERY-DREIFUSS MUSCULAR DYSTROPHY 4 WITH VARIABLE FEATURES. Identifiers: Orphanet 261, MedGen C2751807, MONDO:0013071, OMIM 612998.

Submission:

Labcorp Genetics (formerly Invitae), Labcorp
Classification: Uncertain significance for Emery-Dreifuss muscular dystrophy 4, autosomal dominant; Autosomal recessive ataxia, Beauce type. Last evaluated: 2025-05-07. Review status: criteria provided, single submitter. Criteria: Invitae Variant Classification Sherloc (09022015). Collection method: clinical testing. Allele origin: germline.
Comment: This sequence change replaces alanine, which is neutral and non-polar, with threonine, which is neutral and polar, at codon 428 of the SYNE1 protein (p.Ala428Thr). This variant is not present in population databases (gnomAD no frequency). This variant has not been reported in the literature in individuals affected with SYNE1-related conditions. An algorithm developed to predict the effect of missense changes on protein structure and function (PolyPhen-2) suggests that this variant is likely to be disruptive. In summary, the available evidence is currently insufficient to determine the role of this variant in disease. Therefore, it has been classified as a Variant of Uncertain Significance.

NM_182961.4(SYNE1):c.1261G>A (p.Ala421Thr)

Gene: SYNE1 (spectrin repeat containing nuclear envelope protein 1; minus strand). Cytogenetic location: 6q25.2.
Variant type: single nucleotide variant.
Coding change: c.1261G>A on transcript NM_182961.4 (MANE Select); coding-DNA position 1261, G replaced by A.
Protein change: p.Ala421Thr; replaces alanine 421 with threonine.
Molecular consequence: missense variant.
Genome position (GRCh38, 1-based): chr6:152,483,174, C>T on the plus strand (G>A on the coding strand, the complement: SYNE1 is on the minus strand). VCF-style: chr6-152483174-C-T. GRCh37 (hg19) VCF-style: chr6-152804309-C-T.
Other names: c.1282G>A, p.Ala428Thr (NM_033071.5); short protein forms A421T, A428T.
Identifiers: ClinVar variation 4790962 (VCV004790962.1).